The following is an entry in ClinVar:

ClinVar aggregate classification (germline): Pathogenic (1 of 4 stars; one submission).

Conditions:
Methylcobalamin deficiency type cblE (HMAE). Also called: VITAMIN B12-RESPONSIVE HOMOCYSTINURIA, cblE TYPE; HOMOCYSTINURIA-MEGALOBLASTIC ANEMIA, cblE COMPLEMENTATION TYPE; HOMOCYSTINURIA-MEGALOBLASTIC ANEMIA, cblE TYPE. Identifiers: Orphanet 2169, Orphanet 622, MedGen C1856057, MONDO:0009354, OMIM 236270.

Submission:

Labcorp Genetics (formerly Invitae), Labcorp
Classification: Pathogenic for Methylcobalamin deficiency type cblE. Last evaluated: 2024-05-14. Review status: criteria provided, single submitter. Criteria: Invitae Variant Classification Sherloc (09022015). Collection method: clinical testing. Allele origin: germline.
Comment: This sequence change creates a premature translational stop signal (p.Glu225Leufs*17) in the MTRR gene. It is expected to result in an absent or disrupted protein product. Loss-of-function variants in MTRR are known to be pathogenic (PMID: 15714522). This variant is not present in population databases (gnomAD no frequency). This variant has not been reported in the literature in individuals affected with MTRR-related conditions. For these reasons, this variant has been classified as Pathogenic.

Literature cited by the submitters: PubMed 15714522.

NM_002454.3(MTRR):c.671_672dup (p.Glu225fs)

Gene: MTRR (5-methyltetrahydrofolate-homocysteine methyltransferase reductase; plus strand). Cytogenetic location: 5p15.31.
Variant type: Duplication.
Coding change: c.671_672dup on transcript NM_002454.3 (MANE Select); coding-DNA positions 671 to 672, 2 bases duplicated (TT; older notation c.671_672dupTT).
Protein change: p.Glu225fs; shifts the reading frame from glutamic acid 225.
Molecular consequence: frameshift variant. On other transcripts: non-coding transcript variant (14).
Genome position (GRCh38, 1-based): chr5:7,878,213-7,878,214, TT duplicated; duplicating any 2 consecutive bases within chr5:7,878,212-7,878,214 gives the same sequence; the c. name uses the placement nearest the transcript's 3' end. VCF-style (leftmost placement, unchanged base first): chr5-7878211-C-CTT. GRCh37 (hg19) VCF-style: chr5-7878324-C-CTT.
Other names: c.671_672dup, p.Glu225fs (NM_024010.4, NM_001364440.2, NM_001364441.2 and 1 more transcripts); short protein forms E225fs.
Identifiers: ClinVar variation 3653402 (VCV003653402.2).